The following is an entry in ClinVar:

ClinVar aggregate classification (germline): Likely benign. Review status: criteria provided, multiple submitters, no conflicts (2 of 4 stars). 2 submissions from 2 submitters: Likely benign (2). Last evaluated 2013-06-24.

Allele frequency attached by ClinVar (database versions not stated): 1000 Genomes Project 30x 0.00047; gnomAD exomes 0.00078 and 0.00088; ESP Exome Variant Server 0.00100; 1000 Genomes Project 0.00060; gnomAD 0.00066 and 0.00093; ExAC 0.00087; TOPMed 0.00119.

Submissions (2):

Biesecker Lab/Clinical Genomics Section, National Institutes of Health
Classification: Likely benign. Last evaluated: 2013-06-24. Review status: criteria provided, single submitter. Criteria: Ng et al. (Circ Cardiovasc Genet. 2013). Collection method: research. Allele origin: unknown. Observed: 2 variant alleles. Study: ClinSeq.
Comment: The study set was not selected for affection status in relation to any cancer. Pathogenicity categories were based on literature curation. See Pubmed ID:23861362 for details.

Medical sequencing

Breakthrough Genomics
Classification: Likely benign. Review status: criteria provided, single submitter. Criteria: ACMG Guidelines, 2015. Collection method: not provided. Allele origin: germline. Inheritance: Autosomal dominant inheritance. Affected: yes.

NM_024334.3(TMEM43):c.882+25G>A

Gene: TMEM43 (transmembrane protein 43; plus strand). Cytogenetic location: 3p25.1.
Variant type: single nucleotide variant.
Coding change: c.882+25G>A on transcript NM_024334.3 (MANE Select); 25 bases into the intron after coding-DNA position 882, G replaced by A.
Molecular consequence: intron variant.
Genome position (GRCh38, 1-based): chr3:14,135,933, G>A. VCF-style: chr3-14135933-G-A. GRCh37 (hg19) VCF-style: chr3-14177433-G-A.
Identifiers: ClinVar variation 192132 (VCV000192132.2), dbSNP rs190262194, ClinGen allele CA024785.